The following is an entry in ClinVar:

NM_000092.5(COL4A4):c.3796C>T (p.Pro1266Ser)

Gene: COL4A4 (collagen type IV alpha 4 chain; minus strand). Cytogenetic location: 2q36.3.
Variant type: single nucleotide variant.
Coding change: c.3796C>T on transcript NM_000092.5 (MANE Select); coding-DNA position 3796, C replaced by T.
Protein change: p.Pro1266Ser; replaces proline 1266 with serine.
Molecular consequence: missense variant.
Genome position (GRCh38, 1-based): chr2:227,031,966, G>A on the plus strand (C>T on the coding strand, the complement: COL4A4 is on the minus strand). VCF-style: chr2-227031966-G-A. GRCh37 (hg19) VCF-style: chr2-227896682-G-A.
Other names: short protein forms P1266S.
Identifiers: ClinVar variation 1347655 (VCV001347655.5), dbSNP rs267599226, ClinGen allele CA66561516.

ClinVar aggregate classification (germline): Uncertain significance. Review status: criteria provided, multiple submitters, no conflicts (2 of 4 stars). 3 submissions from 3 submitters: Uncertain significance (2). 1 of the submissions does not count toward it. Last evaluated 2026-06-29.

Conditions:
Alport syndrome. Also called: Hemorrhagic familial nephritis; Hemorrhagic hereditary nephritis; Congenital hereditary hematuria. Identifiers: Orphanet 63, MedGen C1567741, MONDO:0018965.

Allele frequency attached by ClinVar (database versions not stated): gnomAD exomes below 0.00001; TOPMed below 0.00001.
gnomAD v4.1: 2 of 1,613,182 alleles (0.00012%); highest among the groups gnomAD compares: African/African-American, 0.0013%; no homozygotes.

Submissions (3):

Myriad Genetics, Inc.
Classification: Uncertain significance for Alport syndrome. Last evaluated: 2026-06-29. Review status: criteria provided, single submitter. Criteria: Myriad Autosomal Dominant, Autosomal Recessive and X-Linked Classification Criteria (2023). Collection method: clinical testing. Allele origin: unknown.
Comment: NM_000092.4(COL4A4):c.3796C>T(P1266S) is a missense variant classified as a variant of uncertain significance in the context of Alport syndrome, COL4A4-related. P1266S has not been observed in cases with relevant disease. Relevant functional assessments of this variant are not available in the literature. P1266S has not been observed in referenced population frequency databases. In summary, there is insufficient evidence to classify NM_000092.4(COL4A4):c.3796C>T(P1266S) as pathogenic or benign. Please note: this variant was assessed in the context of healthy population screening.

Labcorp Genetics (formerly Invitae), Labcorp
Classification: Uncertain significance. Last evaluated: 2021-12-25. Review status: criteria provided, single submitter. Criteria: Invitae Variant Classification Sherloc (09022015). Collection method: clinical testing. Allele origin: germline.
Comment: This sequence change replaces proline, which is neutral and non-polar, with serine, which is neutral and polar, at codon 1266 of the COL4A4 protein (p.Pro1266Ser). This variant is not present in population databases (gnomAD no frequency). This variant has not been reported in the literature in individuals affected with COL4A4-related conditions. Advanced modeling of protein sequence and biophysical properties (such as structural, functional, and spatial information, amino acid conservation, physicochemical variation, residue mobility, and thermodynamic stability) performed at Invitae indicates that this missense variant is not expected to disrupt COL4A4 protein function. In summary, the available evidence is currently insufficient to determine the role of this variant in disease. Therefore, it has been classified as a Variant of Uncertain Significance.

Natera, Inc.
Classification: Uncertain significance for Alport syndrome. Last evaluated: 2025-04-10. Review status: no assertion criteria provided. Collection method: clinical testing. Allele origin: germline. Not counted in ClinVar's aggregate classification.